The following is an entry in ClinVar:

ClinVar aggregate classification (germline): Uncertain significance. Review status: criteria provided, multiple submitters, no conflicts (2 of 4 stars). 3 submissions from 3 submitters: Uncertain significance (3). Last evaluated 2026-07-10.

Conditions:
Familial thoracic aortic aneurysm and aortic dissection (TAAD). Also called: Thoracic aortic aneurysms and dissections. Identifiers: Orphanet 91387, MedGen C4707243, MONDO:0019625.
Ehlers-Danlos syndrome, type 4 (EDSVASC). Also called: Ehlers-Danlos syndrome vascular type; Ehlers Danlos syndrome, ecchymotic type; Ehlers Danlos syndrome, arterial type; Ehlers Danlos syndrome, Sack-Barabas type; Ehlers-Danlos Syndrome Type IV. Identifiers: Orphanet 286, MedGen C0268338, MONDO:0017314, OMIM 130050.

gnomAD v4.1: 3 of 1,613,904 alleles (0.00019%); highest among the groups gnomAD compares: Admixed American, 0.0017%; no homozygotes.

Submissions (3):

Ambry Genetics
Classification: Uncertain significance for Familial thoracic aortic aneurysm and aortic dissection. Last evaluated: 2026-07-10. Review status: criteria provided, single submitter. Criteria: Ambry Variant Classification Scheme 2023. Collection method: clinical testing. Allele origin: germline.
Comment: The p.R413W variant (also known as c.1237C>T), located in coding exon 18 of the COL3A1 gene, results from a C to T substitution at nucleotide position 1237. The arginine at codon 413 is replaced by tryptophan, an amino acid with dissimilar properties. This amino acid position is conserved. In addition, this alteration is predicted to be deleterious by in silico analysis. Based on the available evidence, the clinical significance of this variant remains unclear.

Labcorp Genetics (formerly Invitae), Labcorp
Classification: Uncertain significance for Ehlers-Danlos syndrome, type 4. Last evaluated: 2025-04-14. Review status: criteria provided, single submitter. Criteria: Invitae Variant Classification Sherloc (09022015). Collection method: clinical testing. Allele origin: germline.
Comment: This sequence change replaces arginine, which is basic and polar, with tryptophan, which is neutral and slightly polar, at codon 413 of the COL3A1 protein (p.Arg413Trp). This variant is not present in population databases (gnomAD no frequency). This variant has not been reported in the literature in individuals affected with COL3A1-related conditions. ClinVar contains an entry for this variant (Variation ID: 2185926). Invitae Evidence Modeling of protein sequence and biophysical properties (such as structural, functional, and spatial information, amino acid conservation, physicochemical variation, residue mobility, and thermodynamic stability) indicates that this missense variant is expected to disrupt COL3A1 protein function with a positive predictive value of 95%. In summary, the available evidence is currently insufficient to determine the role of this variant in disease. Therefore, it has been classified as a Variant of Uncertain Significance.

All of Us Research Program, National Institutes of Health
Classification: Uncertain significance for Ehlers-Danlos syndrome, type 4. Last evaluated: 2024-08-06. Review status: criteria provided, single submitter. Criteria: ACMG Guidelines, 2015. Collection method: clinical testing. Allele origin: germline. Inheritance: Autosomal dominant inheritance. Observed: 1 variant allele, 1 heterozygote.
Comment: This study involves interpretation of variants in research participants for the purpose of population health screening. Participant phenotype was not available at the time of variant classification. Additional details can be found in publication PMID: 35346344, PMCID: PMC8962531

NM_000090.4(COL3A1):c.1237C>T (p.Arg413Trp)

Gene: COL3A1 (collagen type III alpha 1 chain; plus strand). Cytogenetic location: 2q32.2.
Variant type: single nucleotide variant.
Coding change: c.1237C>T on transcript NM_000090.4 (MANE Select); coding-DNA position 1237, C replaced by T.
Protein change: p.Arg413Trp; replaces arginine 413 with tryptophan.
Molecular consequence: missense variant.
Genome position (GRCh38, 1-based): chr2:188,994,276, C>T. VCF-style: chr2-188994276-C-T. GRCh37 (hg19) VCF-style: chr2-189859002-C-T.
Other names: short protein forms R413W.
Identifiers: ClinVar variation 2185926 (VCV002185926.4), dbSNP rs776255409, ClinGen allele CA349851421.